The following is an entry in ClinVar:

ClinVar aggregate classification (germline): Uncertain significance (1 of 4 stars; one submission).

Submission:

Labcorp Genetics (formerly Invitae), Labcorp
Classification: Uncertain significance. Last evaluated: 2024-06-21. Review status: criteria provided, single submitter. Criteria: Invitae Variant Classification Sherloc (09022015). Collection method: clinical testing. Allele origin: germline.
Comment: This variant, c.1099_1101del, results in the deletion of 1 amino acid(s) of the IL2RB protein (p.Phe367del), but otherwise preserves the integrity of the reading frame. This variant is present in population databases (rs757359708, gnomAD 0.003%). This variant has not been reported in the literature in individuals affected with IL2RB-related conditions. Experimental studies and prediction algorithms are not available or were not evaluated, and the functional significance of this variant is currently unknown. In summary, the available evidence is currently insufficient to determine the role of this variant in disease. Therefore, it has been classified as a Variant of Uncertain Significance.

NM_000878.5(IL2RB):c.1093TTC[2] (p.Phe367del)

Gene: IL2RB (interleukin 2 receptor subunit beta; minus strand). Cytogenetic location: 22q12.3.
Variant type: Microsatellite.
Coding change: c.1093TTC[2] on transcript NM_000878.5 (MANE Select); two copies in a row of the 3-base unit TTC starting at c.1093; the reference has three copies in a row; one copy, 3 bases deleted.
Protein change: p.Phe367del; deletes phenylalanine 367.
Molecular consequence: inframe deletion.
Genome position (GRCh38, 1-based): chr22:37,128,651-37,128,653, GAA deleted on the plus strand (TTC on the coding strand, the reverse complement: IL2RB is on the minus strand); deleting any 3 consecutive bases within chr22:37,128,651-37,128,660 gives the same sequence; the position shown is the placement nearest the transcript's 3' end. VCF-style (leftmost placement, unchanged base first): chr22-37128650-GGAA-G. GRCh37 (hg19) VCF-style: chr22-37524690-GGAA-G.
Other names: c.1093TTC[2], p.Phe367del (NM_001346222.1, NM_001346223.2); short protein forms F367del.
Identifiers: ClinVar variation 3617266 (VCV003617266.2).